The following is an entry in ClinVar:

NC_000023.10:g.(32632571_32662248)_(32867938_33038255)del

Gene: DMD (dystrophin; minus strand). Cytogenetic location: Xp21.1.
Variant type: Deletion.
Identifiers: ClinVar variation 932182 (VCV000932182.1).

ClinVar aggregate classification (germline): Pathogenic (1 of 4 stars; one submission).

Conditions:
Neuromuscular disease caused by qualitative or quantitative defects of dystrophin. Also called: Qualitative or quantitative defects of dystrophin. Identifiers: Orphanet 207085, MedGen C5679787, MONDO:0016147.

Submission:

Women's Health and Genetics/Laboratory Corporation of America, LabCorp
Classification: Pathogenic for Dystrophinopathies. Last evaluated: 2020-05-28. Review status: criteria provided, single submitter. Criteria: LabCorp Variant Classification Summary - May 2015. Collection method: clinical testing. Allele origin: germline.
Comment: Variant summary: The variant identified by MLPA or other technology involves the deletion of exons 3-11 in the DMD gene. A presumed nomenclature of c.(93+1_94-1)_(1331+1_1332-1)del has been designated for the purposes of this classification. Although exact breakpoints of this deletion are not known, it is expected to result in a large out-of-frame deletion in the DMD gene (predicted as p.Gly33Thrfs*2 in DOVE website), a known mechanism of disease. The variant was absent in 16120 control chromosomes (gnomAD, Structural Variants dataset). c.(93+1_94-1)_(1331+1_1332-1)del has been reported in the literature in individuals affected with Becker muscular dystrophy or intermediate form between Duchenne and Becker muscular dystrophy (Kesari_2008, Flanigan_2012, Zimowski_2014, El-Khoury_2018). These data indicate that the variant is likely to be associated with disease. One ClinVar submitter (evaluation after 2014) cites the variant as pathogenic. Based on the evidence outlined above, the variant was classified as pathogenic.

Literature cited by the submitters: PubMed 18348289; PubMed 25482253; PubMed 19937601.